The following is an entry in ClinVar:

NM_033124.5(DRC2):c.88G>A (p.Glu30Lys)

Gene: DRC2 (dynein regulatory complex subunit 2; plus strand). Cytogenetic location: 12q13.12.
Variant type: single nucleotide variant.
Coding change: c.88G>A on transcript NM_033124.5 (MANE Select); coding-DNA position 88, G replaced by A.
Protein change: p.Glu30Lys; replaces glutamic acid 30 with lysine.
Molecular consequence: missense variant. On other transcripts: 5 prime UTR variant (1).
Genome position (GRCh38, 1-based): chr12:48,904,424, G>A. VCF-style: chr12-48904424-G-A. GRCh37 (hg19) VCF-style: chr12-49298207-G-A.
Other names: c.-302G>A (NM_001286957.2); short protein forms E30K.
Identifiers: ClinVar variation 2056849 (VCV002056849.2), dbSNP rs552481282, ClinGen allele CA6543134.
Genomic context (GRCh38, chr12:48,904,424, plus strand): 5'-ACGCCCCTGTCCGATGAGAAGCAGCTGCTTCTGTTTCAGCAGAAGTTGCTGGCAGAGGAG[G>A]AGATGGCCAAAAAGAAGGAGAGGCTCCTCAGCCAGTTCTTGAAGGTGATGGCCTTTTGCA-3'
Protein context (NP_149115.2, residues 20-40): LFQQKLLAEE[Glu30Lys]MAKKKERLLS

ClinVar aggregate classification (germline): Uncertain significance (1 of 4 stars; one submission).

Conditions:
Primary ciliary dyskinesia 27. Also called: CILIARY DYSKINESIA, PRIMARY, 27, WITHOUT SITUS INVERSUS. Identifiers: Orphanet 244, MedGen C3809701, MONDO:0014215, OMIM 615504.

Allele frequency attached by ClinVar (database versions not stated): ExAC 0.00012; TOPMed 0.00002; gnomAD exomes 0.00005; 1000 Genomes Project 0.00040; gnomAD 0.00003; 1000 Genomes Project 30x 0.00031.
gnomAD v4.1: 87 of 1,614,102 alleles (0.0054%); highest among the groups gnomAD compares: South Asian, 0.086%; no homozygotes.

Submission:

Labcorp Genetics (formerly Invitae), Labcorp
Classification: Uncertain significance for Primary ciliary dyskinesia 27. Last evaluated: 2025-03-13. Review status: criteria provided, single submitter. Criteria: Invitae Variant Classification Sherloc (09022015). Collection method: clinical testing. Allele origin: germline.
Comment: This sequence change replaces glutamic acid, which is acidic and polar, with lysine, which is basic and polar, at codon 30 of the CCDC65 protein (p.Glu30Lys). This variant is present in population databases (rs552481282, gnomAD 0.08%). This variant has not been reported in the literature in individuals affected with CCDC65-related conditions. ClinVar contains an entry for this variant (Variation ID: 2056849). An algorithm developed to predict the effect of missense changes on protein structure and function (PolyPhen-2) suggests that this variant is likely to be disruptive. In summary, the available evidence is currently insufficient to determine the role of this variant in disease. Therefore, it has been classified as a Variant of Uncertain Significance.